The following is an entry in ClinVar:

ClinVar aggregate classification (germline): Conflicting classifications of pathogenicity. Review status: criteria provided, conflicting classifications (1 of 4 stars). 2 submissions from 2 submitters: Likely pathogenic (1); Uncertain significance (1). Last evaluated 2023-08-04.

Conditions:
Desmin-related myofibrillar myopathy (MFM1). Also called: Desminopathy; DESMIN-RELATED MYOPATHY WITH ARRHYTHMOGENIC RIGHT VENTRICULAR CARDIOMYOPATHY; Desmin related myopathy (former name); Desmin storage myopathy (former name); MYOFIBRILLAR MYOPATHY WITH ARRHYTHMOGENIC RIGHT VENTRICULAR CARDIOMYOPATHY; Myofibrillar myopathy 1. Identifiers: Orphanet 363543, Orphanet 98909, MedGen C1832370, MONDO:0011076, OMIM 601419.

Allele frequency attached by ClinVar (database versions not stated): gnomAD exomes below 0.00001.

Submissions (2):

Labcorp Genetics (formerly Invitae), Labcorp
Classification: Uncertain significance for Desmin-related myofibrillar myopathy. Last evaluated: 2023-08-04. Review status: criteria provided, single submitter. Criteria: Invitae Variant Classification Sherloc (09022015). Collection method: clinical testing. Allele origin: germline.
Comment: This sequence change replaces glycine, which is neutral and non-polar, with serine, which is neutral and polar, at codon 44 of the DES protein (p.Gly44Ser). This variant is not present in population databases (gnomAD no frequency). This variant has not been reported in the literature in individuals affected with DES-related conditions. ClinVar contains an entry for this variant (Variation ID: 421043). Advanced modeling of protein sequence and biophysical properties (such as structural, functional, and spatial information, amino acid conservation, physicochemical variation, residue mobility, and thermodynamic stability) performed at Invitae indicates that this missense variant is not expected to disrupt DES protein function. In summary, the available evidence is currently insufficient to determine the role of this variant in disease. Therefore, it has been classified as a Variant of Uncertain Significance.

GeneDx
Classification: Likely pathogenic. Last evaluated: 2016-05-02. Review status: criteria provided, single submitter. Criteria: GeneDx Variant Classification (06012015). Collection method: clinical testing. Allele origin: germline. Affected: yes.
Comment: The G44S variant in the DES gene has not been reported previously as a pathogenic variant, nor as a benign variant, to our knowledge. The G44S variant was not observed in approximately 6,200 individuals of European and African American ancestry in the NHLBI Exome Sequencing Project, indicating it is not a common benign variant in these populations. The G44S variant is a non-conservative amino acid substitution, which is likely to impact secondary protein structure as these residues differ in polarity, charge, size and/or other properties. This substitution occurs at a position that is conserved in mammals. In silico analysis is inconsistent in its predictions as to whether or not the variant is damaging to the protein structure/function. Therefore, we interpret G44S as a likely pathogenic variant.

NM_001927.4(DES):c.130G>A (p.Gly44Ser)

Gene: DES (desmin; plus strand). Cytogenetic location: 2q35.
Variant type: single nucleotide variant.
Coding change: c.130G>A on transcript NM_001927.4 (MANE Select); coding-DNA position 130, G replaced by A.
Protein change: p.Gly44Ser; replaces glycine 44 with serine.
Molecular consequence: missense variant.
Genome position (GRCh38, 1-based): chr2:219,418,592, G>A. VCF-style: chr2-219418592-G-A. GRCh37 (hg19) VCF-style: chr2-220283314-G-A.
Other names: c.130G>A (LRG_380t1); short protein forms G44S.
Identifiers: ClinVar variation 421043 (VCV000421043.5), dbSNP rs1064794869, ClinGen allele CA16617477.